The following is an entry in ClinVar:

NM_020911.2(PLXNA4):c.3981A>G (p.Pro1327=)

Gene: PLXNA4 (plexin A4; minus strand). Cytogenetic location: 7q32.3.
Variant type: single nucleotide variant.
Coding change: c.3981A>G on transcript NM_020911.2 (MANE Select); coding-DNA position 3981, A replaced by G.
Protein change: p.Pro1327=; no amino-acid change (proline 1327 retained).
Molecular consequence: synonymous variant.
Genome position (GRCh38, 1-based): chr7:132,174,814, T>C on the plus strand (A>G on the coding strand, the complement: PLXNA4 is on the minus strand). VCF-style: chr7-132174814-T-C. GRCh37 (hg19) VCF-style: chr7-131859573-T-C.
Other names: c.3981A>G, p.Pro1327= (NM_001393897.1).
Identifiers: ClinVar variation 3354736 (VCV003354736.1).
Genomic context (GRCh38, chr7:132,174,814, plus strand): 5'-CCAGGATGGAGCACTGCTTCTCACCTCAAGGTCCCGGAGGACAGGGTGGTCTTCAATTCC[T>C]GGGAACAGCACCCGCATGGTGTAAGTTCTATAGTCCAGGAACGGAATCCCGGCTCCATCC-3'
Protein context (NP_065962.1, residues 1317-1337): YRTYTMRVLF[Pro1327=]GIEDHPVLRD

ClinVar aggregate classification (germline): Likely benign (0 of 4 stars; one submission).

Conditions:
PLXNA4-related disorder. Also called: PLXNA4-related condition.

gnomAD v4.1: 24 of 1,614,008 alleles (0.0015%); highest among the groups gnomAD compares: Non-Finnish European, 0.002%; no homozygotes.

Submission:

PreventionGenetics, part of Exact Sciences
Classification: Likely benign for PLXNA4-related condition. Last evaluated: 2023-02-24. Review status: no assertion criteria provided. Collection method: clinical testing. Allele origin: germline.
Comment: This variant is classified as likely benign based on ACMG/AMP sequence variant interpretation guidelines (Richards et al. 2015 PMID: 25741868, with internal and published modifications).